The following is an entry in ClinVar:

NM_021098.3(CACNA1H):c.1517G>A (p.Arg506Gln)

Gene: CACNA1H (calcium voltage-gated channel subunit alpha1 H; plus strand). Cytogenetic location: 16p13.3.
Variant type: single nucleotide variant.
Coding change: c.1517G>A on transcript NM_021098.3 (MANE Select); coding-DNA position 1517, G replaced by A.
Protein change: p.Arg506Gln; replaces arginine 506 with glutamine.
Molecular consequence: missense variant.
Genome position (GRCh38, 1-based): chr16:1,201,967, G>A. VCF-style: chr16-1201967-G-A. GRCh37 (hg19) VCF-style: chr16-1251967-G-A.
Other names: c.1517G>A, p.Arg506Gln (NM_001005407.2); short protein forms R506Q.
Identifiers: ClinVar variation 529607 (VCV000529607.36), dbSNP rs532223684, ClinGen allele CA7799960.

ClinVar aggregate classification (germline): Conflicting classifications of pathogenicity. Review status: criteria provided, conflicting classifications (1 of 4 stars). 6 submissions from 6 submitters: Uncertain significance (3); Likely benign (3). Last evaluated 2026-02-01.

Conditions:
Hyperaldosteronism, familial, type IV (HALD4). Also called: FH IV; ALDOSTERONISM, PRIMARY, AND HYPERTENSION. Identifiers: Orphanet 642671, MedGen C4310756, MONDO:0014875, OMIM 617027.
Idiopathic generalized epilepsy. Also called: Generalised epilepsy; EIG. Identifiers: MedGen C0270850, MONDO:0005579, OMIM 600669.

Allele frequency attached by ClinVar (database versions not stated): gnomAD exomes 0.00021; gnomAD 0.00024; ExAC 0.00025; TOPMed 0.00026; 1000 Genomes Project 30x 0.00078; 1000 Genomes Project 0.00080.
gnomAD v4.1: 233 of 1,544,256 alleles (0.015%); highest among the groups gnomAD compares: Admixed American, 0.069%; no homozygotes.

Submissions (6):

Labcorp Genetics (formerly Invitae), Labcorp
Classification: Likely benign for Idiopathic generalized epilepsy; Hyperaldosteronism, familial, type IV. Last evaluated: 2026-02-01. Review status: criteria provided, single submitter. Criteria: Invitae Variant Classification Sherloc (09022015). Collection method: clinical testing. Allele origin: germline.

Blueprint Genetics
Classification: Likely benign. Last evaluated: 2024-06-19. Review status: criteria provided, single submitter. Criteria: ACMG Guidelines, 2015. Collection method: clinical testing. Allele origin: germline.

CeGaT Center for Human Genetics Tuebingen
Classification: Uncertain significance. Last evaluated: 2024-03-01. Review status: criteria provided, single submitter. Criteria: CeGaT Center For Human Genetics Tuebingen Variant Classification Criteria Version 2. Collection method: clinical testing. Allele origin: germline. Affected: yes. Observed: 1 variant allele.

GeneDx
Classification: Uncertain significance. Last evaluated: 2023-08-15. Review status: criteria provided, single submitter. Criteria: GeneDx Variant Classification Process June 2021. Collection method: clinical testing. Allele origin: germline. Affected: yes.
Comment: In silico analysis supports that this missense variant does not alter protein structure/function; Has not been previously published as pathogenic or benign to our knowledge

Laboratorio de Genetica e Diagnostico Molecular, Hospital Israelita Albert Einstein
Classification: Uncertain significance. Last evaluated: 2019-05-16. Review status: criteria provided, single submitter. Criteria: ACMG Guidelines, 2015. Collection method: clinical testing. Allele origin: germline. Affected: yes.
Comment: ACMG classification criteria: PM2

Athena Diagnostics
Classification: Likely benign. Last evaluated: 2017-12-21. Review status: criteria provided, single submitter. Criteria: Athena Diagnostics Criteria. Collection method: clinical testing. Allele origin: germline.